The following is an entry in ClinVar:

NM_016532.4(INPP5K):c.1171G>A (p.Asp391Asn)

Gene: INPP5K (inositol polyphosphate-5-phosphatase K; minus strand). Cytogenetic location: 17p13.3.
Variant type: single nucleotide variant.
Coding change: c.1171G>A on transcript NM_016532.4 (MANE Select); coding-DNA position 1171, G replaced by A.
Protein change: p.Asp391Asn; replaces aspartic acid 391 with asparagine.
Molecular consequence: missense variant.
Genome position (GRCh38, 1-based): chr17:1,496,333, C>T on the plus strand (G>A on the coding strand, the complement: INPP5K is on the minus strand). VCF-style: chr17-1496333-C-T. GRCh37 (hg19) VCF-style: chr17-1399627-C-T.
Other names: c.943G>A, p.Asp315Asn (NM_001135642.2, NM_130766.3); short protein forms D315N, D391N.
Identifiers: ClinVar variation 4880902 (VCV004880902.2).

ClinVar aggregate classification (germline): Uncertain significance (1 of 4 stars; one submission).

gnomAD v4.1: 33 of 1,561,588 alleles (0.0021%); highest among the groups gnomAD compares: Admixed American, 0.0039%; no homozygotes.

Submission:

Dasa
Classification: Uncertain significance. Last evaluated: 2025-12-12. Review status: criteria provided, single submitter. Criteria: DASA Assertion Criteria. Collection method: clinical testing. Allele origin: germline.
Comment: NM_016532.4(INPP5K):c.1171G>A (p.Asp391Asn) is a missense variant that results in the substitution of aspartic acid with asparagine. This variant has been observed in affected individuals with INPP5K-related disorders. Also, this variant is rare in population databases. The currently available literature and clinical evidence are not sufficient to establish a definitive association between this variant and the reported condition. Therefore, this variant is classified as a variant of uncertain significance.